The following is an entry in ClinVar:

ClinVar aggregate classification (germline): Benign/Likely benign. Review status: criteria provided, multiple submitters, no conflicts (2 of 4 stars). 2 submissions from 2 submitters: Benign (1); Likely benign (1). Last evaluated 2026-09-01.

gnomAD v4.1: 116 of 1,546,356 alleles (0.0075%); highest among the groups gnomAD compares: Admixed American, 0.21%; 1 homozygote.

Submissions (2):

CeGaT Center for Human Genetics Tuebingen
Classification: Likely benign. Last evaluated: 2026-09-01. Review status: criteria provided, single submitter. Criteria: CeGaT Center For Human Genetics Tuebingen Variant Classification Criteria Version 2. Collection method: clinical testing. Allele origin: germline. Affected: yes. Observed: 1 variant allele.
Comment: DMRT1: BP4, BP7

Labcorp Genetics (formerly Invitae), Labcorp
Classification: Benign. Last evaluated: 2025-12-28. Review status: criteria provided, single submitter. Criteria: Invitae Variant Classification Sherloc (09022015). Collection method: clinical testing. Allele origin: germline.

NM_021951.3(DMRT1):c.252C>T (p.Tyr84=)

Gene: DMRT1 (doublesex and mab-3 related transcription factor 1; plus strand). Cytogenetic location: 9p24.3.
Variant type: single nucleotide variant.
Coding change: c.252C>T on transcript NM_021951.3 (MANE Select); coding-DNA position 252, C replaced by T.
Protein change: p.Tyr84=; no amino-acid change (tyrosine 84 retained).
Molecular consequence: synonymous variant.
Genome position (GRCh38, 1-based): chr9:842,090, C>T. VCF-style: chr9-842090-C-T. GRCh37 (hg19) VCF-style: chr9-842090-C-T.
Identifiers: ClinVar variation 3672843 (VCV003672843.3).
Genomic context (GRCh38, chr9:842,090, plus strand): 5'-TGCCGGGAGCAAGAAGTCCCCGCGGCTGCCCAAGTGCGCACGCTGCAGGAACCACGGCTA[C>T]GCCTCGCCGCTCAAGGGCCACAAGCGCTTCTGCATGTGGCGCGACTGCCAGTGCAAGAAG-3'
Protein context (NP_068770.2, residues 74-94): PKCARCRNHG[Tyr84=]ASPLKGHKRF